The following is an entry in ClinVar:

NM_001042492.3(NF1):c.2850+8G>A

Gene: NF1 (neurofibromin 1; plus strand). Cytogenetic location: 17q11.2.
Variant type: single nucleotide variant.
Coding change: c.2850+8G>A on transcript NM_001042492.3 (MANE Select); 8 bases into the intron after coding-DNA position 2850, G replaced by A.
Molecular consequence: intron variant.
Genome position (GRCh38, 1-based): chr17:31,229,473, G>A. VCF-style: chr17-31229473-G-A. GRCh37 (hg19) VCF-style: chr17-29556491-G-A.
Other names: c.2850+8G>A (NM_000267.4).
Identifiers: ClinVar variation 752973 (VCV000752973.8), dbSNP rs780608020, ClinGen allele CA8486031.

ClinVar aggregate classification (germline): Likely benign. Review status: criteria provided, multiple submitters, no conflicts (2 of 4 stars). 2 submissions from 2 submitters: Likely benign (2). Last evaluated 2026-05-12.

Conditions:
Neurofibromatosis, type 1 (NF1). Also called: NEUROFIBROMATOSIS, TYPE I, SOMATIC; Peripheral type neurofibromatosis; VON RECKLINGHAUSEN DISEASE; Neurofibromatosis, type I. Identifiers: Orphanet 636, MedGen C0027831, MONDO:0018975, OMIM 162200. Disease mechanism: loss of function.

Allele frequency attached by ClinVar (database versions not stated): gnomAD exomes below 0.00001; ExAC 0.00001.
gnomAD v4.1: 2 of 1,612,406 alleles (0.00012%); highest among the groups gnomAD compares: African/African-American, 0.0013%; no homozygotes.

Submissions (2):

Myriad Genetics, Inc.
Classification: Likely benign for Neurofibromatosis, type 1. Last evaluated: 2026-05-12. Review status: criteria provided, single submitter. Criteria: Myriad Autosomal Dominant, Autosomal Recessive and X-Linked Classification Criteria (2023). Collection method: clinical testing. Allele origin: unknown.
Comment: This variant is considered likely benign. This variant is intronic and is not expected to impact mRNA splicing.

Labcorp Genetics (formerly Invitae), Labcorp
Classification: Likely benign for Neurofibromatosis, type 1. Last evaluated: 2025-09-28. Review status: criteria provided, single submitter. Criteria: Invitae Variant Classification Sherloc (09022015). Collection method: clinical testing. Allele origin: germline.